The following is an entry in ClinVar:

ClinVar aggregate classification (germline): Uncertain significance (1 of 4 stars; one submission).

gnomAD v4.1: 5 of 1,613,566 alleles (0.00031%); highest among the groups gnomAD compares: East Asian, 0.0022%; no homozygotes.

Submission:

Labcorp Genetics (formerly Invitae), Labcorp
Classification: Uncertain significance. Last evaluated: 2025-08-22. Review status: criteria provided, single submitter. Criteria: Invitae Variant Classification Sherloc (09022015). Collection method: clinical testing. Allele origin: germline.
Comment: This sequence change replaces arginine, which is basic and polar, with glutamine, which is neutral and polar, at codon 230 of the CFAP298 protein (p.Arg230Gln). This variant is not present in population databases (gnomAD no frequency). This variant has not been reported in the literature in individuals affected with CFAP298-related conditions. An algorithm developed to predict the effect of missense changes on protein structure and function (PolyPhen-2) suggests that this variant is likely to be disruptive. In summary, the available evidence is currently insufficient to determine the role of this variant in disease. Therefore, it has been classified as a Variant of Uncertain Significance.

NM_021254.4(CFAP298):c.689G>A (p.Arg230Gln)

Genes: CFAP298 (cilia and flagella associated protein 298; minus strand), CFAP298-TCP10L (CFAP298-TCP10L readthrough; minus strand). Cytogenetic location: 21q22.11.
Variant type: single nucleotide variant.
Coding change: c.689G>A on transcript NM_021254.4 (MANE Select); coding-DNA position 689, G replaced by A.
Protein change: p.Arg230Gln; replaces arginine 230 with glutamine.
Molecular consequence: missense variant. On other transcripts: 3 prime UTR variant (1), intron variant (2).
Genome position (GRCh38, 1-based): chr21:32,602,345, C>T on the plus strand (G>A on the coding strand, the complement: CFAP298 is on the minus strand). VCF-style: chr21-32602345-C-T. GRCh37 (hg19) VCF-style: chr21-33974655-C-T.
Other names: c.392G>A, p.Arg131Gln (NM_001350334.2); c.*744G>A (NM_001350335.2); c.689G>A, p.Arg230Gln (NM_001350337.2); c.666+816G>A (NM_001350338.2); c.667-372G>A (NM_001350336.2); short protein forms R230Q, R131Q.
Identifiers: ClinVar variation 4738317 (VCV004738317.1).
Genomic context (GRCh38, chr21:32,602,345, plus strand): 5'-TGTCTTCTGTGATAGTACAGCATCAGCTGCTTCTGCTCCTCACTGCTAATAATAGGCTCT[C>T]GGGCTGGAGCTCCCTGTCCCCTCTGCAAAGAGGAGAGCAGAGCAAATTGTGGATTAAGGT-3'
Protein context (NP_067077.1, residues 220-240): IQQRGQGAPA[Arg230Gln]EPIISSEEQK